The following is an entry in ClinVar:

ClinVar aggregate classification (germline): Uncertain significance. Review status: criteria provided, multiple submitters, no conflicts (2 of 4 stars). 2 submissions from 2 submitters: Uncertain significance (2). Last evaluated 2025-02-05.

Conditions:
Baller-Gerold syndrome (BGS). Also called: CRANIOSYNOSTOSIS WITH RADIAL DEFECTS. Identifiers: Orphanet 1225, MedGen C0265308, MONDO:0009039, OMIM 218600.
Inborn genetic diseases. Identifiers: MedGen C0950123, MeSH D030342.

Allele frequency attached by ClinVar (database versions not stated): gnomAD exomes below 0.00001.
gnomAD v4.1: 5 of 1,612,776 alleles (0.00031%); highest among the groups gnomAD compares: Non-Finnish European, 0.00042%; no homozygotes.

Submissions (2):

Ambry Genetics
Classification: Uncertain significance for Inborn genetic diseases. Last evaluated: 2025-02-05. Review status: criteria provided, single submitter. Criteria: Ambry Variant Classification Scheme 2023. Collection method: clinical testing. Allele origin: germline.
Comment: The p.R350S variant (also known as c.1050G>C), located in coding exon 5 of the RECQL4 gene, results from a G to C substitution at nucleotide position 1050. The arginine at codon 350 is replaced by serine, an amino acid with dissimilar properties. This amino acid position is conserved. In addition, this alteration is predicted to be tolerated by in silico analysis. Based on the available evidence, the clinical significance of this variant remains unclear.

Labcorp Genetics (formerly Invitae), Labcorp
Classification: Uncertain significance for Baller-Gerold syndrome. Last evaluated: 2022-10-18. Review status: criteria provided, single submitter. Criteria: Invitae Variant Classification Sherloc (09022015). Collection method: clinical testing. Allele origin: germline.
Comment: In summary, the available evidence is currently insufficient to determine the role of this variant in disease. Therefore, it has been classified as a Variant of Uncertain Significance. Algorithms developed to predict the effect of sequence changes on RNA splicing suggest that this variant may disrupt the consensus splice site. Advanced modeling of protein sequence and biophysical properties (such as structural, functional, and spatial information, amino acid conservation, physicochemical variation, residue mobility, and thermodynamic stability) performed at Invitae indicates that this missense variant is not expected to disrupt RECQL4 protein function. This variant has not been reported in the literature in individuals affected with RECQL4-related conditions. This variant is not present in population databases (gnomAD no frequency). This sequence change replaces arginine, which is basic and polar, with serine, which is neutral and polar, at codon 350 of the RECQL4 protein (p.Arg350Ser).

NM_004260.4(RECQL4):c.1050G>C (p.Arg350Ser)

Gene: RECQL4 (RecQ like helicase 4; minus strand). Cytogenetic location: 8q24.3.
Variant type: single nucleotide variant.
Coding change: c.1050G>C on transcript NM_004260.4 (MANE Select); coding-DNA position 1050, G replaced by C.
Protein change: p.Arg350Ser; replaces arginine 350 with serine.
Molecular consequence: missense variant. On other transcripts: 5 prime UTR variant (17), non-coding transcript variant (3).
Genome position (GRCh38, 1-based): chr8:144,516,069, C>G on the plus strand (G>C on the coding strand, the complement: RECQL4 is on the minus strand). VCF-style: chr8-144516069-C-G. GRCh37 (hg19) VCF-style: chr8-145741453-C-G.
Other names: c.1050G>C (NM_004260.3); c.954G>C, p.Arg318Ser (NM_001413017.1, NM_001413020.1); c.1050G>C, p.Arg350Ser (NM_001413018.1, NM_001413019.1, NM_001413033.1 and 2 more transcripts); c.-22G>C (NM_001413021.1, NM_001413022.1, NM_001413023.1 and 8 more transcripts); c.921G>C, p.Arg307Ser (NM_001413025.1); c.-84G>C (NM_001413027.1, NM_001413030.1, NM_001413031.1 and 2 more transcripts); c.699G>C, p.Arg233Ser (NM_001413029.1); c.-291G>C (NM_001413043.1); short protein forms R307S, R233S, R318S, R350S.
Identifiers: ClinVar variation 2724373 (VCV002724373.4), dbSNP rs2130717046, ClinGen allele CA372688222.